The following is an entry in ClinVar:

ClinVar aggregate classification (germline): Likely benign (1 of 4 stars; one submission).

Allele frequency attached by ClinVar (database versions not stated): gnomAD exomes 0.00030; 1000 Genomes Project 0.00240; gnomAD 0.00265; 1000 Genomes Project 30x 0.00281; TOPMed 0.00313.
gnomAD v4.1: 477 of 398,570 alleles (0.12%); highest among the groups gnomAD compares: African/African-American, 0.91%; 3 homozygotes.

Submission:

CeGaT Center for Human Genetics Tuebingen
Classification: Likely benign. Last evaluated: 2026-08-01. Review status: criteria provided, single submitter. Criteria: CeGaT Center For Human Genetics Tuebingen Variant Classification Criteria Version 2. Collection method: clinical testing. Allele origin: germline. Affected: yes. Observed: 7 variant alleles.
Comment: KCNQ1OT1: BS2

NM_000218.3(KCNQ1):c.1393+35447T>C

Genes: KCNQ1 (potassium voltage-gated channel subfamily Q member 1; plus strand), KCNQ1OT1 (KCNQ1 opposite strand/antisense transcript 1; minus strand). Cytogenetic location: 11p15.5.
Variant type: single nucleotide variant.
Coding change: c.1393+35447T>C on transcript NM_000218.3 (MANE Select); 35447 bases into the intron after coding-DNA position 1393, T replaced by C.
Molecular consequence: intron variant.
Genome position (GRCh38, 1-based): chr11:2,624,301, T>C. VCF-style: chr11-2624301-T-C. GRCh37 (hg19) VCF-style: chr11-2645531-T-C.
Other names: c.1123+35447T>C (NM_001406837.1); c.1297+35447T>C (NM_001406836.1); c.853+35447T>C (NM_001406838.1); c.1012+35447T>C (NM_181798.2).
Identifiers: ClinVar variation 1879172 (VCV001879172.29), dbSNP rs190312247, ClinGen allele CA216363849.